The following is an entry in ClinVar:

ClinVar aggregate classification (germline): Benign (0 of 4 stars; one submission).

Conditions:
MUC16-related disorder. Also called: MUC16-related condition.

Allele frequency attached by ClinVar (database versions not stated): ExAC 0.00002; 1000 Genomes Project 30x 0.00859.

Submission:

PreventionGenetics, part of Exact Sciences
Classification: Benign for MUC16-related condition. Last evaluated: 2019-04-25. Review status: no assertion criteria provided. Collection method: clinical testing. Allele origin: germline.
Comment: This variant is classified as benign based on ACMG/AMP sequence variant interpretation guidelines (Richards et al. 2015 PMID: 25741868, with internal and published modifications).

NM_001401501.2(MUC16):c.39199A>G (p.Thr13067Ala)

Gene: MUC16 (mucin 16, cell surface associated; minus strand). Cytogenetic location: 19p13.2.
Variant type: single nucleotide variant.
Coding change: c.39199A>G on transcript NM_001401501.2 (MANE Select); coding-DNA position 39199, A replaced by G.
Protein change: p.Thr13067Ala; replaces threonine 13067 with alanine.
Molecular consequence: missense variant.
Genome position (GRCh38, 1-based): chr19:8,899,972, T>C on the plus strand (A>G on the coding strand, the complement: MUC16 is on the minus strand). VCF-style: chr19-8899972-T-C. GRCh37 (hg19) VCF-style: chr19-9010648-T-C.
Other names: c.39625A>G, p.Thr13209Ala (NM_001414686.1); c.39079A>G, p.Thr13027Ala (NM_001414687.1); c.39013A>G, p.Thr13005Ala (NM_024690.2); short protein forms T13005A, T13027A, T13067A, T13209A.
Identifiers: ClinVar variation 3043805 (VCV003043805.2), dbSNP rs756739393, ClinGen allele CA9164265.